The following is an entry in ClinVar:

NM_001170.3(AQP7):c.406+2T>C

Genes: AQP7 (aquaporin 7; minus strand), LOC126860614 (BRD4-independent group 4 enhancer GRCh37_chr9:33385863-33387062; plus strand). Cytogenetic location: 9p13.3.
Variant type: single nucleotide variant.
Coding change: c.406+2T>C on transcript NM_001170.3 (MANE Select); the canonical splice donor site of the intron after coding-DNA position 406, T replaced by C.
Molecular consequence: splice donor variant.
Genome position (GRCh38, 1-based): chr9:33,386,402, A>G on the plus strand (T>C on the coding strand, the complement: AQP7 is on the minus strand). VCF-style: chr9-33386402-A-G. GRCh37 (hg19) VCF-style: chr9-33386400-A-G.
Other names: c.235+2T>C (NM_001318156.2); c.406+2T>C (NM_001376192.1, NM_001376193.1, NM_001376191.1 and 1 more transcripts); c.403+2T>C (NM_001318157.2).
Identifiers: ClinVar variation 402388 (VCV000402388.4), dbSNP rs771895202, ClinGen allele CA5025973.

ClinVar aggregate classification (germline): Benign (1 of 4 stars; one submission).

Allele frequency attached by ClinVar (database versions not stated): gnomAD exomes 0.01167; ExAC 0.06496.

Submission:

Laboratory for Molecular Medicine, Mass General Brigham Personalized Medicine
Classification: Benign. Last evaluated: 2016-03-28. Review status: criteria provided, single submitter. Criteria: LMM Criteria. Collection method: clinical testing. Allele origin: germline.
Comment: Variant identified in a genome or exome case(s) and assessed due to predicted null impact of the variant or pathogenic assertions in the literature or databases. Disclaimer: This variant has not undergone full assessment. The following are preliminary notes: Frequency